The following is an entry in ClinVar:

ClinVar aggregate classification (germline): Pathogenic/Likely pathogenic. Review status: criteria provided, multiple submitters, no conflicts (2 of 4 stars). 2 submissions from 2 submitters: Pathogenic (1); Likely pathogenic (1). Last evaluated 2020-03-01.

Conditions:
Sarcotubular myopathy (LGMDR8). Also called: MUSCULAR DYSTROPHY, LIMB-GIRDLE, AUTOSOMAL RECESSIVE 8; Hutterite type of muscular dystrophy; Autosomal recessive limb-girdle muscular dystrophy type 2H; Limb-girdle muscular dystrophy, type 2H. Identifiers: Orphanet 1878, MedGen C0270968, MONDO:0009683, OMIM 254110.
Bardet-Biedl syndrome 11 (BBS11). Identifiers: Orphanet 110, MedGen C1859569, MONDO:0014439, OMIM 615988.

Submissions (2):

CeGaT Center for Human Genetics Tuebingen
Classification: Pathogenic. Last evaluated: 2020-03-01. Review status: criteria provided, single submitter. Criteria: CeGaT Center For Human Genetics Tuebingen Variant Classification Criteria Version 2. Collection method: clinical testing. Allele origin: germline. Affected: yes. Observed: 2 variant alleles.

Juno Genomics, Hangzhou Juno Genomics, Inc
Classification: Likely pathogenic for Bardet-Biedl syndrome 11; Sarcotubular myopathy. Review status: criteria provided, single submitter. Criteria: ACMG Guidelines, 2015. Collection method: clinical testing. Allele origin: germline.
Comment: Null variant in a gene where loss of function (LOF) is a known mechanism of disease.;Absent from controls (or at extremely low frequency if recessive) in Genome Aggregation Database.

NM_012210.4(TRIM32):c.1161_1168dup (p.Arg390fs)

Genes: ASTN2 (astrotactin 2; minus strand), TRIM32 (tripartite motif containing 32; plus strand). Cytogenetic location: 9q33.1.
Variant type: Duplication.
Coding change: c.1161_1168dup on transcript NM_012210.4 (MANE Select); coding-DNA positions 1161 to 1168, 8 bases duplicated (CGCTGACC; older notation c.1161_1168dupCGCTGACC).
Protein change: p.Arg390fs; shifts the reading frame from arginine 390.
Molecular consequence: frameshift variant. On other transcripts: intron variant (3).
Genome position (GRCh38, 1-based): chr9:116,698,903-116,698,910, CGCTGACC duplicated. VCF-style (leftmost placement, unchanged base first): chr9-116698902-T-TCGCTGACC. GRCh37 (hg19) VCF-style: chr9-119461181-T-TCGCTGACC.
Other names: c.1161_1168dup, p.Arg390fs (NM_001099679.2, NM_001379048.1, NM_001379049.1 and 1 more transcripts); c.2653+26861_2653+26868dup (NM_014010.5); c.2794+26861_2794+26868dup (NM_001365069.1); c.2806+26861_2806+26868dup (NM_001365068.1); short protein forms R390fs.
Identifiers: ClinVar variation 870905 (VCV000870905.42), dbSNP rs1861028831, ClinGen allele CA1139661144.
Genomic context (GRCh38, chr9:116,698,902, plus strand): 5'-CTCCAGGAATGTTCAATCTTCCAGTCAGTCTCTACGTGACCAGTCAAGGTGAAGTACTAG[T>TCGCTGACC]CGCTGACCGTGGTAACTATCGTATACAAGTCTTTACCCGCAAAGGCTTTTTGAAGGAAAT-3'